The following is an entry in ClinVar:

NM_002834.5(PTPN11):c.760C>G (p.Leu254Val)

Gene: PTPN11 (protein tyrosine phosphatase non-receptor type 11; plus strand). Cytogenetic location: 12q24.13.
Variant type: single nucleotide variant.
Coding change: c.760C>G on transcript NM_002834.5 (MANE Select); coding-DNA position 760, C replaced by G.
Protein change: p.Leu254Val; replaces leucine 254 with valine.
Molecular consequence: missense variant.
Genome position (GRCh38, 1-based): chr12:112,472,947, C>G. VCF-style: chr12-112472947-C-G. GRCh37 (hg19) VCF-style: chr12-112910751-C-G.
Other names: c.760C>G, p.Leu254Val (NM_001330437.2, NM_080601.3); c.757C>G, p.Leu253Val (NM_001374625.1); short protein forms L253V, L254V.
Identifiers: ClinVar variation 2572776 (VCV002572776.1), dbSNP rs2540445497, ClinGen allele CA386788371.

ClinVar aggregate classification (germline): Uncertain significance (1 of 4 stars; one submission).

Allele frequency attached by ClinVar (database versions not stated): gnomAD exomes below 0.00001.
gnomAD v4.1: 2 of 1,610,174 alleles (0.00012%); highest among the groups gnomAD compares: Non-Finnish European, 0.00017%; no homozygotes.

Submission:

GeneDx
Classification: Uncertain significance. Last evaluated: 2023-01-11. Review status: criteria provided, single submitter. Criteria: GeneDx Variant Classification Process June 2021. Collection method: clinical testing. Allele origin: germline. Affected: yes.
Comment: Not observed at significant frequency in large population cohorts (gnomAD); Missense variants in this gene are often considered pathogenic (HGMD); In silico analysis supports that this missense variant has a deleterious effect on protein structure/function; In silico analysis suggests this variant may impact gene splicing. In the absence of RNA/functional studies, the actual effect of this sequence change is unknown.; Has not been previously published as pathogenic or benign to our knowledge; This variant is associated with the following publications: (PMID: 29493581)